The following is an entry in ClinVar:

NM_001369.3(DNAH5):c.5244del (p.Asn1748fs)

Gene: DNAH5 (dynein axonemal heavy chain 5; minus strand). Cytogenetic location: 5p15.2.
Variant type: Deletion.
Coding change: c.5244del on transcript NM_001369.3 (MANE Select); coding-DNA position 5244, one base deleted (C; older notation c.5244delC).
Protein change: p.Asn1748fs; shifts the reading frame from asparagine 1748.
Molecular consequence: frameshift variant.
Genome position (GRCh38, 1-based): chr5:13,844,864, G deleted on the plus strand (C on the coding strand, the reverse complement: DNAH5 is on the minus strand). VCF-style (leftmost placement, unchanged base first): chr5-13844863-TG-T. GRCh37 (hg19) VCF-style: chr5-13844972-TG-T.
Other names: short protein forms N1748fs.
Identifiers: ClinVar variation 1074379 (VCV001074379.7), dbSNP rs2151870091, ClinGen allele CA2499217635.

ClinVar aggregate classification (germline): Pathogenic (1 of 4 stars; one submission).

Conditions:
Primary ciliary dyskinesia. Also called: Ciliary dyskinesia. Identifiers: Orphanet 244, MedGen C0008780, MONDO:0016575, HP:0012265.

Submission:

Labcorp Genetics (formerly Invitae), Labcorp
Classification: Pathogenic for Primary ciliary dyskinesia. Last evaluated: 2020-06-27. Review status: criteria provided, single submitter. Criteria: Invitae Variant Classification Sherloc (09022015). Collection method: clinical testing. Allele origin: germline.
Comment: For these reasons, this variant has been classified as Pathogenic. Loss-of-function variants in DNAH5 are known to be pathogenic (PMID: 11788826, 16627867). This variant has not been reported in the literature in individuals with DNAH5-related conditions. This variant is not present in population databases (ExAC no frequency). This sequence change creates a premature translational stop signal (p.Asn1748Lysfs*56) in the DNAH5 gene. It is expected to result in an absent or disrupted protein product.

Literature cited by the submitters: PubMed 11788826; PubMed 16627867.